The following is an entry in ClinVar:

ClinVar aggregate classification (germline): Conflicting classifications of pathogenicity. Review status: criteria provided, conflicting classifications (1 of 4 stars). 4 submissions from 4 submitters: Uncertain significance (2); Likely benign (2). Last evaluated 2025-12-20.

Conditions:
Cardiovascular phenotype. Identifiers: MedGen CN230736.
Alstrom syndrome (ALMS). Identifiers: Orphanet 64, MedGen C0268425, MONDO:0008763, OMIM 203800.

Allele frequency attached by ClinVar (database versions not stated): gnomAD 0.00001; gnomAD exomes 0.00004 and 0.00005; TOPMed 0.00004; ExAC 0.00005.
gnomAD v4.1: 75 of 1,613,528 alleles (0.0046%); highest among the groups gnomAD compares: East Asian, 0.0067%; no homozygotes.

Submissions (4):

Labcorp Genetics (formerly Invitae), Labcorp
Classification: Likely benign for Alstrom syndrome. Last evaluated: 2025-12-20. Review status: criteria provided, single submitter. Criteria: Invitae Variant Classification Sherloc (09022015). Collection method: clinical testing. Allele origin: germline.

Ambry Genetics
Classification: Uncertain significance for Cardiovascular phenotype. Last evaluated: 2025-10-28. Review status: criteria provided, single submitter. Criteria: Ambry Variant Classification Scheme 2023. Collection method: clinical testing. Allele origin: germline.
Comment: The c.9870G>A variant (also known as p.P3290P), located in coding exon 12 of the ALMS1 gene, results from a G to A substitution at nucleotide position 9870. This nucleotide substitution does not change the proline at codon 3290. This nucleotide position is not well conserved in available vertebrate species. In silico splice site analysis predicts that this alteration may weaken the native splice donor site. Based on the available evidence, the clinical significance of this variant remains unclear.

Blueprint Genetics
Classification: Uncertain significance. Last evaluated: 2024-01-09. Review status: criteria provided, single submitter. Criteria: ACMG Guidelines, 2015. Collection method: clinical testing. Allele origin: germline.

GeneDx
Classification: Likely benign. Last evaluated: 2017-12-22. Review status: criteria provided, single submitter. Criteria: GeneDx Variant Classification (06012015). Collection method: clinical testing. Allele origin: germline. Affected: yes.
Comment: This variant is considered likely benign or benign based on one or more of the following criteria: it is a conservative change, it occurs at a poorly conserved position in the protein, it is predicted to be benign by multiple in silico algorithms, and/or has population frequency not consistent with disease.

NM_001378454.1(ALMS1):c.9867G>A (p.Pro3289=)

Gene: ALMS1 (ALMS1 centrosome and basal body associated protein; plus strand). Cytogenetic location: 2p13.1.
Variant type: single nucleotide variant.
Coding change: c.9867G>A on transcript NM_001378454.1 (MANE Select); coding-DNA position 9867, G replaced by A.
Protein change: p.Pro3289=; no amino-acid change (proline 3289 retained).
Molecular consequence: synonymous variant.
Genome position (GRCh38, 1-based): chr2:73,534,909, G>A. VCF-style: chr2-73534909-G-A. GRCh37 (hg19) VCF-style: chr2-73762036-G-A.
Other names: c.9870G>A, p.Pro3290= (NM_015120.4).
Identifiers: ClinVar variation 241019 (VCV000241019.9), dbSNP rs773900415, ClinGen allele CA1714795.